The following is an entry in ClinVar:

ClinVar aggregate classification (germline): Likely pathogenic (1 of 4 stars; one submission).

Submission:

Labcorp Genetics (formerly Invitae), Labcorp
Classification: Likely pathogenic. Last evaluated: 2023-12-19. Review status: criteria provided, single submitter. Criteria: Invitae Variant Classification Sherloc (09022015). Collection method: clinical testing. Allele origin: germline.
Comment: This sequence change creates a premature translational stop signal (p.Ser664Leufs*2) in the COL10A1 gene. While this is not anticipated to result in nonsense mediated decay, it is expected to disrupt the last 17 amino acid(s) of the COL10A1 protein. This variant is not present in population databases (gnomAD no frequency). This variant has not been reported in the literature in individuals affected with COL10A1-related conditions. This variant is located in a region of the COL10A1 protein where a significant number of COL10A1 nonsense and frameshift mutations have been reported in association with autosomal dominant metaphyseal chondrodysplasia (PMID: 21447328, 33764685, 36400164). In summary, the currently available evidence indicates that the variant is pathogenic, but additional data are needed to prove that conclusively. Therefore, this variant has been classified as Likely Pathogenic.

Literature cited by the submitters: PubMed 21447328; PubMed 33764685; PubMed 36400164.

NM_000493.4(COL10A1):c.1990_1991del (p.Ser664fs)

Genes: COL10A1 (collagen type X alpha 1 chain; minus strand), NT5DC1 (5'-nucleotidase domain containing 1; plus strand). Cytogenetic location: 6q22.1.
Variant type: Deletion.
Coding change: c.1990_1991del on transcript NM_000493.4 (MANE Select); coding-DNA positions 1990 to 1991, 2 bases deleted (TC; older notation c.1990_1991delTC).
Protein change: p.Ser664fs; shifts the reading frame from serine 664.
Molecular consequence: frameshift variant. On other transcripts: intron variant (1).
Genome position (GRCh38, 1-based): chr6:116,120,125-116,120,126, GA deleted on the plus strand (TC on the coding strand, the reverse complement: COL10A1 is on the minus strand); deleting any 2 consecutive bases within chr6:116,120,125-116,120,127 gives the same sequence; the c. name uses the placement nearest the transcript's 3' end. VCF-style (leftmost placement, unchanged base first): chr6-116120124-GGA-G. GRCh37 (hg19) VCF-style: chr6-116441287-GGA-G.
Other names: c.1990_1991del, p.Ser664fs (NM_001424106.1, NM_001424107.1); c.529+2181_529+2182del (NM_152729.3); short protein forms S664fs.
Identifiers: ClinVar variation 2836088 (VCV002836088.3), dbSNP rs2534083355, ClinGen allele CA2739266045.